The following is an entry in ClinVar:

ClinVar aggregate classification (germline): Conflicting classifications of pathogenicity. Review status: criteria provided, conflicting classifications (1 of 4 stars). 2 submissions from 2 submitters: Pathogenic (1); Uncertain significance (1). Last evaluated 2026-03-23.

Conditions:
Hereditary cancer-predisposing syndrome. Also called: Hereditary neoplastic syndrome; Neoplastic Syndromes, Hereditary; Tumor predisposition; Hereditary Cancer Syndrome. Identifiers: Orphanet 140162, MedGen C0027672, MeSH D009386, MONDO:0015356.

Allele frequency attached by ClinVar (database versions not stated): TOPMed below 0.00001; gnomAD 0.00001.

Submissions (2):

Ambry Genetics
Classification: Uncertain significance for Hereditary cancer-predisposing syndrome. Last evaluated: 2026-03-23. Review status: criteria provided, single submitter. Criteria: Ambry Variant Classification Scheme 2023. Collection method: clinical testing. Allele origin: germline.
Comment: The c.5438dupA variant, located in coding exon 40 of the POLE gene, results from a duplication of A at nucleotide position 5438, causing a translational frameshift with a predicted alternate stop codon (p.Y1813*). This alteration is expected to result in loss of function by premature protein truncation or nonsense-mediated mRNA decay. Although biallelic loss of function of POLE has been associated with autosomal recessive POLE deficiency, haploinsufficiency of POLE has not been established as a mechanism of disease for POLE-related polymerase proofreading-associated polyposis (PPAP) and POLE-related CMMRD-like syndrome. Based on the supporting evidence, this variant is expected to be causative of POLE deficiency when present along with a second pathogenic variant on the other allele; however, its clinical significance for PPAP and POLE-related CMMRD-like syndrome is unclear.

Labcorp Genetics (formerly Invitae), Labcorp
Classification: Pathogenic. Last evaluated: 2026-01-02. Review status: criteria provided, single submitter. Criteria: Invitae Variant Classification Sherloc (09022015). Collection method: clinical testing. Allele origin: germline.
Comment: This sequence change creates a premature translational stop signal (p.Tyr1813*) in the POLE gene. It is expected to result in an absent or disrupted protein product. Loss-of-function variants in POLE are known to be pathogenic (PMID: 23230001, 25948378, 30503519). This variant is not present in population databases (gnomAD no frequency). This variant has not been reported in the literature in individuals affected with POLE-related conditions. ClinVar contains an entry for this variant (Variation ID: 1004888). For these reasons, this variant has been classified as Pathogenic.

Literature cited by the submitters: PubMed 23230001 (cited by Labcorp Genetics (formerly Invitae), Labcorp); PubMed 25948378 (cited by Labcorp Genetics (formerly Invitae), Labcorp); PubMed 30503519 (cited by Labcorp Genetics (formerly Invitae), Labcorp).

NM_006231.4(POLE):c.5438dup (p.Tyr1813Ter)

Gene: POLE (DNA polymerase epsilon, catalytic subunit; minus strand). Cytogenetic location: 12q24.33.
Variant type: Duplication.
Coding change: c.5438dup on transcript NM_006231.4 (MANE Select); coding-DNA position 5438, one base duplicated (A; older notation c.5438dupA).
Protein change: p.Tyr1813Ter; replaces tyrosine 1813 with a stop codon.
Molecular consequence: nonsense.
Genome position (GRCh38, 1-based): chr12:132,639,239, T duplicated on the plus strand (A on the coding strand, the reverse complement: POLE is on the minus strand). VCF-style (leftmost placement, unchanged base first): chr12-132639238-A-AT. GRCh37 (hg19) VCF-style: chr12-133215824-A-AT.
Other names: c.5438dupA (NM_006231.2); short protein forms Y1813*.
Identifiers: ClinVar variation 1004888 (VCV001004888.7), dbSNP rs1266397026, ClinGen allele CA685534036.